The following is an entry in ClinVar:

NM_000264.5(PTCH1):c.2250+4_2250+5dup

Genes: PTCH1 (patched 1; minus strand), LOC100507346 (uncharacterized LOC100507346; plus strand). Cytogenetic location: 9q22.32.
Variant type: Duplication.
Coding change: c.2250+4_2250+5dup on transcript NM_000264.5 (MANE Select); bases 4 to 5 of the intron after coding-DNA position 2250, 2 bases duplicated (AT; older notation c.2250+4_2250+5dupAT).
Molecular consequence: intron variant. On other transcripts: non-coding transcript variant (1).
Genome position (GRCh38, 1-based): chr9:95,468,746-95,468,747, AT duplicated on the plus strand (AT on the coding strand, the reverse complement: PTCH1 is on the minus strand). VCF-style (leftmost placement, unchanged base first): chr9-95468745-G-GAT. GRCh37 (hg19) VCF-style: chr9-98231027-G-GAT.
Other names: c.2247+4_2247+5dup (NM_001083603.3); c.2052+4_2052+5dup (NM_001083602.3); c.2094+4_2094+5dup (NM_001354918.2); c.1797+4_1797+5dup (NM_001083605.3, NM_001083604.3, NM_001083606.3 and 1 more transcripts).
Identifiers: ClinVar variation 2134357 (VCV002134357.4), dbSNP rs2538142714, ClinGen allele CA2580080836.

ClinVar aggregate classification (germline): Uncertain significance (1 of 4 stars; one submission).

Conditions:
Gorlin syndrome. Also called: Basal cell nevus syndrome; Nevoid Basal Cell Carcinoma Syndrome. Identifiers: Orphanet 377, MedGen C0004779, MONDO:0007187.

Submission:

Labcorp Genetics (formerly Invitae), Labcorp
Classification: Uncertain significance for Gorlin syndrome. Last evaluated: 2022-05-05. Review status: criteria provided, single submitter. Criteria: Invitae Variant Classification Sherloc (09022015). Collection method: clinical testing. Allele origin: germline.
Comment: In summary, the available evidence is currently insufficient to determine the role of this variant in disease. Therefore, it has been classified as a Variant of Uncertain Significance. Variants that disrupt the consensus splice site are a relatively common cause of aberrant splicing (PMID: 17576681, 9536098). Algorithms developed to predict the effect of sequence changes on RNA splicing suggest that this variant is not likely to affect RNA splicing. This variant has not been reported in the literature in individuals affected with PTCH1-related conditions. This variant is not present in population databases (gnomAD no frequency). This sequence change falls in intron 14 of the PTCH1 gene. It does not directly change the encoded amino acid sequence of the PTCH1 protein. It affects a nucleotide within the consensus splice site.

Literature cited by the submitters: PubMed 17576681; PubMed 9536098.